The following is an entry in ClinVar:

NM_000095.3(COMP):c.1316A>G (p.Asp439Gly)

Gene: COMP (cartilage oligomeric matrix protein; minus strand). Cytogenetic location: 19p13.11.
Variant type: single nucleotide variant.
Coding change: c.1316A>G on transcript NM_000095.3 (MANE Select); coding-DNA position 1316, A replaced by G.
Protein change: p.Asp439Gly; replaces aspartic acid 439 with glycine.
Molecular consequence: missense variant.
Genome position (GRCh38, 1-based): chr19:18,786,138, T>C on the plus strand (A>G on the coding strand, the complement: COMP is on the minus strand). VCF-style: chr19-18786138-T-C. GRCh37 (hg19) VCF-style: chr19-18896948-T-C.
Other names: short protein forms D439G.
Identifiers: ClinVar variation 2444368 (VCV002444368.2), dbSNP rs2512847668, ClinGen allele CA404885300.
Genomic context (GRCh38, chr19:18,786,138, plus strand): 5'-GAGTCCTCCTGGGCACTGTTAGGCACCGTGGGACAGTTGTCCCGAGAGTCCTGATGTCCG[T>C]CTCCATCCCTAGAGTGGATAGGTGGGATCCAGAGACAATGAGCTCTCCAGAGCGTTTTGT-3'
Protein context (NP_000086.2, residues 429-449): ACDSDQDQDG[Asp439Gly]GHQDSRDNCP

ClinVar aggregate classification (germline): Likely pathogenic. Review status: criteria provided, multiple submitters, no conflicts (2 of 4 stars). 2 submissions from 2 submitters: Likely pathogenic (2). Last evaluated 2024-06-24.

Conditions:
Pseudoachondroplastic spondyloepiphyseal dysplasia syndrome (PSACH). Also called: PSEUDOACHONDROPLASTIC DYSPLASIA; Pseudoachondroplasia; COMP-Related Pseudoachondroplasia. Identifiers: Orphanet 750, MedGen C0410538, MONDO:0008322, OMIM 177170.
COMP-related disorder. Also called: COMP-related disorders; COMP-related condition.

Submissions (2):

Blueprint Genetics
Classification: Likely pathogenic for COMP-related disorders. Last evaluated: 2024-06-24. Review status: criteria provided, single submitter. Criteria: ACMG Guidelines, 2015. Collection method: clinical testing. Allele origin: germline. Affected: yes. Observed: 1 variant allele.

3billion
Classification: Likely pathogenic for Pseudoachondroplastic spondyloepiphyseal dysplasia syndrome. Last evaluated: 2023-02-23. Review status: criteria provided, single submitter. Criteria: ACMG Guidelines, 2015. Collection method: clinical testing. Allele origin: unknown. Affected: yes.
Comment: The variant is not observed in the gnomAD v2.1.1 dataset. Missense changes are a common disease-causing mechanism. In silico tool predictions suggest damaging effect of the variant on gene or gene product (REVEL: 0.88; 3Cnet: 0.93). Same nucleotide change resulting in same amino acid change has been previously reported to be associated with COMP related disorder (PMID: 26377240). However, the evidence of pathogenicity is insufficient at this time. Different missense changes at the same codon (p.Asp439Asn, p.Asp439Glu, p.Asp439Tyr) have been reported as pathogenic/likely pathogenic with strong evidence (ClinVar ID: VCV000692028, VCV000803548, VCV001066197). Therefore, this variant is classified as Likely pathogenic according to the recommendation of ACMG/AMP guideline.

Literature cited by the submitters: PubMed 26377240 (cited by 3billion).